The following is an entry in ClinVar:

NC_000023.11:g.97847553C>T

Gene: DIAPH2 (diaphanous related formin 2; plus strand). Cytogenetic location: Xq21.33.
Variant type: single nucleotide variant.
Genome position: GRCh38 VCF-style: chrX-97847553-C-T. GRCh37 (hg19) VCF-style: chrX-97102551-C-T.
Identifiers: ClinVar variation 2661026 (VCV002661026.24), dbSNP rs368214949, ClinGen allele CA333620252.

ClinVar aggregate classification (germline): Likely benign (1 of 4 stars; one submission).

Allele frequency attached by ClinVar (database versions not stated): 1000 Genomes Project 30x 0.00062; 1000 Genomes Project 0.00079.

Submission:

CeGaT Center for Human Genetics Tuebingen
Classification: Likely benign. Last evaluated: 2023-03-01. Review status: criteria provided, single submitter. Criteria: CeGaT Center For Human Genetics Tuebingen Variant Classification Criteria Version 2. Collection method: clinical testing. Allele origin: germline. Affected: yes. Observed: 1 variant allele.
Comment: DIAPH2: BS2